The following is an entry in ClinVar:

ClinVar aggregate classification (germline): Uncertain significance (1 of 4 stars; one submission).

Conditions:
Inborn genetic diseases. Identifiers: MedGen C0950123, MeSH D030342.

gnomAD v4.1: 6 of 1,614,208 alleles (0.00037%); highest among the groups gnomAD compares: Non-Finnish European, 0.00051%; no homozygotes.

Submission:

Ambry Genetics
Classification: Uncertain significance for Inborn genetic diseases. Last evaluated: 2025-05-16. Review status: criteria provided, single submitter. Criteria: Ambry Variant Classification Scheme 2023. Collection method: clinical testing. Allele origin: germline.
Comment: The p.C1294Y variant (also known as c.3881G>A), located in coding exon 39 of the FANCA gene, results from a G to A substitution at nucleotide position 3881. The cysteine at codon 1294 is replaced by tyrosine, an amino acid with highly dissimilar properties. This amino acid position is conserved. In addition, this alteration is predicted to be deleterious by in silico analysis. Based on the available evidence, the clinical significance of this variant remains unclear.

NM_000135.4(FANCA):c.3881G>A (p.Cys1294Tyr)

Genes: FANCA (FA complementation group A; minus strand), ZNF276 (zinc finger protein 276; plus strand). Cytogenetic location: 16q24.3.
Variant type: single nucleotide variant.
Coding change: c.3881G>A on transcript NM_000135.4 (MANE Select); coding-DNA position 3881, G replaced by A.
Protein change: p.Cys1294Tyr; replaces cysteine 1294 with tyrosine.
Molecular consequence: missense variant. On other transcripts: 3 prime UTR variant (2), non-coding transcript variant (4).
Genome position (GRCh38, 1-based): chr16:89,740,047, C>T on the plus strand (G>A on the coding strand, the complement: FANCA is on the minus strand). VCF-style: chr16-89740047-C-T. GRCh37 (hg19) VCF-style: chr16-89806455-C-T.
Other names: c.3881G>A, p.Cys1294Tyr (NM_001286167.3); c.*1801C>T (NM_001113525.2, NM_152287.4); short protein forms C1294Y.
Identifiers: ClinVar variation 4022278 (VCV004022278.1).